The following is an entry in ClinVar:

ClinVar aggregate classification (germline): Likely benign (1 of 4 stars; one submission).

Allele frequency attached by ClinVar (database versions not stated): gnomAD 0.00846; 1000 Genomes Project 0.01038; 1000 Genomes Project 30x 0.01187.

Submission:

GeneDx
Classification: Likely benign. Last evaluated: 2022-02-12. Review status: criteria provided, single submitter. Criteria: GeneDx Variant Classification Process June 2021. Collection method: clinical testing. Allele origin: germline. Affected: yes.
Comment: See Variant Classification Assertion Criteria.

NM_005900.3(SMAD1):c.-176G>A

Gene: SMAD1 (SMAD family member 1; plus strand). Cytogenetic location: 4q31.21.
Variant type: single nucleotide variant.
Coding change: c.-176G>A on transcript NM_005900.3 (MANE Select); 176 bases upstream of the start codon, G replaced by A.
Molecular consequence: 5 prime UTR variant.
Genome position (GRCh38, 1-based): chr4:145,514,438, G>A. VCF-style: chr4-145514438-G-A. GRCh37 (hg19) VCF-style: chr4-146435590-G-A.
Other names: c.-176G>A (NM_001003688.1, NM_001354811.1, NM_001354812.1 and 4 more transcripts).
Identifiers: ClinVar variation 1707267 (VCV001707267.2), dbSNP rs116024424, ClinGen allele CA108019226.